The following is an entry in ClinVar:

ClinVar aggregate classification (germline): Likely pathogenic (1 of 4 stars; one submission).

Conditions:
CSPP1-related disorder. Also called: CSPP1-related condition.

gnomAD v4.1: 1 of 1,596,146 alleles (0.000063%); highest among the groups gnomAD compares: Non-Finnish European, 0.000085%; no homozygotes.

Submission:

PreventionGenetics, part of Exact Sciences
Classification: Likely pathogenic for CSPP1-related condition. Last evaluated: 2026-02-18. Review status: criteria provided, single submitter. Criteria: ACMG Guidelines, 2015. Collection method: clinical testing. Allele origin: germline.
Comment: The CSPP1 c.286C>T variant is predicted to result in premature protein termination (p.Gln96*). To our knowledge, this variant has not been reported in the literature. This variant is reported in 0.00092% of alleles in individuals of European (Non-Finnish) descent in gnomAD. Nonsense variants in CSPP1 are expected to be pathogenic. This variant is interpreted as likely pathogenic.

NM_001382391.1(CSPP1):c.178C>T (p.Gln60Ter)

Gene: CSPP1 (centrosome and spindle pole associated protein 1; plus strand). Cytogenetic location: 8q13.1.
Variant type: single nucleotide variant.
Coding change: c.178C>T on transcript NM_001382391.1 (MANE Select); coding-DNA position 178, C replaced by T.
Protein change: p.Gln60Ter; replaces glutamine 60 with a stop codon.
Molecular consequence: nonsense.
Genome position (GRCh38, 1-based): chr8:67,076,560, C>T. VCF-style: chr8-67076560-C-T. GRCh37 (hg19) VCF-style: chr8-67988795-C-T.
Other names: c.178C>T, p.Gln60Ter (NM_001363131.2, NM_001363132.2, NM_001363133.2); c.286C>T, p.Gln96Ter (NM_001364869.1, NM_001364870.1, NM_001438330.1 and 3 more transcripts); short protein forms Q96*, Q60*.
Identifiers: ClinVar variation 4996854 (VCV004996854.1).